The following is an entry in ClinVar:

ClinVar aggregate classification (germline): Uncertain significance (1 of 4 stars; one submission).

Submission:

Labcorp Genetics (formerly Invitae), Labcorp
Classification: Uncertain significance. Last evaluated: 2021-06-16. Review status: criteria provided, single submitter. Criteria: Invitae Variant Classification Sherloc (09022015). Collection method: clinical testing. Allele origin: germline.
Comment: This variant, c.2666_2668dup, results in the insertion of 1 amino acid(s) to the SUCO protein (p.Ala889dup), but otherwise preserves the integrity of the reading frame. This variant is not present in population databases (ExAC no frequency). This variant has not been reported in the literature in individuals affected with SUCO-related conditions. Experimental studies and prediction algorithms are not available or were not evaluated, and the functional significance of this variant is currently unknown. In summary, the available evidence is currently insufficient to determine the role of this variant in disease. Therefore, it has been classified as a Variant of Uncertain Significance.

NM_014283.5(SUCO):c.2666_2668dup (p.Ala889dup)

Gene: SUCO (SUN domain containing ossification factor; plus strand). Cytogenetic location: 1q24.3.
Variant type: Duplication.
Coding change: c.2666_2668dup on transcript NM_014283.5 (MANE Select); coding-DNA positions 2666 to 2668, 3 bases duplicated (CTG; older notation c.2666_2668dupCTG).
Protein change: p.Ala889dup; duplicates alanine 889.
Molecular consequence: inframe insertion. On other transcripts: intron variant (1).
Genome position (GRCh38, 1-based): chr1:172,589,767-172,589,769, CTG duplicated; duplicating any 3 consecutive bases within chr1:172,589,765-172,589,769 gives the same sequence; the c. name uses the placement nearest the transcript's 3' end. VCF-style (leftmost placement, unchanged base first): chr1-172589764-A-ATGC. GRCh37 (hg19) VCF-style: chr1-172558904-A-ATGC.
Other names: c.977_979dup, p.Ala326dup (NM_001282751.2); c.3119_3121dup, p.Ala1040dup (NM_016227.4); c.1712+843_1712+845dup (NM_001282750.2).
Identifiers: ClinVar variation 1355711 (VCV001355711.8), dbSNP rs1656506114, ClinGen allele CA1009178906.